The following is an entry in ClinVar:

ClinVar aggregate classification (germline): Uncertain significance (1 of 4 stars; one submission).

Submission:

Labcorp Genetics (formerly Invitae), Labcorp
Classification: Uncertain significance. Last evaluated: 2025-11-06. Review status: criteria provided, single submitter. Criteria: Invitae Variant Classification Sherloc (09022015). Collection method: clinical testing. Allele origin: germline.
Comment: This sequence change replaces methionine, which is neutral and non-polar, with threonine, which is neutral and polar, at codon 195 of the PPP2CA protein (p.Met195Thr). This variant is not present in population databases (gnomAD no frequency). This variant has not been reported in the literature in individuals affected with PPP2CA-related conditions. Invitae Evidence Modeling of protein sequence and biophysical properties (such as structural, functional, and spatial information, amino acid conservation, physicochemical variation, residue mobility, and thermodynamic stability) indicates that this missense variant is expected to disrupt PPP2CA protein function with a positive predictive value of 80%. In summary, the available evidence is currently insufficient to determine the role of this variant in disease. Therefore, it has been classified as a Variant of Uncertain Significance.

NM_002715.4(PPP2CA):c.584T>C (p.Met195Thr)

Gene: PPP2CA (protein phosphatase 2 catalytic subunit alpha; minus strand). Cytogenetic location: 5q31.1.
Variant type: single nucleotide variant.
Coding change: c.584T>C on transcript NM_002715.4 (MANE Select); coding-DNA position 584, T replaced by C.
Protein change: p.Met195Thr; replaces methionine 195 with threonine.
Molecular consequence: missense variant. On other transcripts: non-coding transcript variant (1).
Genome position (GRCh38, 1-based): chr5:134,200,489, A>G on the plus strand (T>C on the coding strand, the complement: PPP2CA is on the minus strand). VCF-style: chr5-134200489-A-G. GRCh37 (hg19) VCF-style: chr5-133536180-A-G.
Other names: c.389T>C, p.Met130Thr (NM_001355019.2); short protein forms M130T, M195T.
Identifiers: ClinVar variation 4798812 (VCV004798812.1).